The following is an entry in ClinVar:

ClinVar aggregate classification (germline): Uncertain significance (1 of 4 stars; one submission).

gnomAD v4.1: 1 of 1,613,918 alleles (0.000062%); highest among the groups gnomAD compares: Non-Finnish European, 0.000085%; no homozygotes.

Submission:

GeneDx
Classification: Uncertain significance. Last evaluated: 2024-03-07. Review status: criteria provided, single submitter. Criteria: GeneDx Variant Classification Process June 2021. Collection method: clinical testing. Allele origin: germline. Affected: yes.
Comment: Not observed at significant frequency in large population cohorts (gnomAD); In silico analysis supports that this missense variant has a deleterious effect on protein structure/function; Has not been previously published as pathogenic or benign to our knowledge

NM_001370100.5(ZMYND11):c.359G>A (p.Arg120His)

Gene: ZMYND11 (zinc finger MYND-type containing 11; plus strand). Cytogenetic location: 10p15.3.
Variant type: single nucleotide variant.
Coding change: c.359G>A on transcript NM_001370100.5 (MANE Select); coding-DNA position 359, G replaced by A.
Protein change: p.Arg120His; replaces arginine 120 with histidine.
Molecular consequence: missense variant. On other transcripts: non-coding transcript variant (1), intron variant (18).
Genome position (GRCh38, 1-based): chr10:221,277, G>A. VCF-style: chr10-221277-G-A. GRCh37 (hg19) VCF-style: chr10-267217-G-A.
Other names: c.359G>A, p.Arg120His (NM_001202468.1, NM_001370097.3, NM_001370098.2 and 10 more transcripts); c.308G>A, p.Arg103His (NM_001330057.3, NM_001370112.2); c.293G>A, p.Arg98His (NM_001370116.2); c.239G>A, p.Arg80His (NM_001370118.2); c.276+11229G>A (NM_001370103.2, NM_001370104.2, NM_001370105.2 and 11 more transcripts); c.210+11229G>A (NM_001370120.2); c.-33-15561G>A (NM_001370124.3); c.225+11229G>A (NM_001370123.2); and 1 more; short protein forms R103H, R120H, R80H, R98H.
Identifiers: ClinVar variation 3373641 (VCV003373641.1).